The following is an entry in ClinVar:

ClinVar aggregate classification (germline): Uncertain significance (1 of 4 stars; one submission).

Conditions:
Inborn genetic diseases. Identifiers: MedGen C0950123, MeSH D030342.

Submission:

Ambry Genetics
Classification: Uncertain significance for Inborn genetic diseases. Last evaluated: 2025-07-28. Review status: criteria provided, single submitter. Criteria: Ambry Variant Classification Scheme 2023. Collection method: clinical testing. Allele origin: germline.
Comment: The p.K198T variant (also known as c.593A>C), located in coding exon 1 of the SAMD9 gene, results from an A to C substitution at nucleotide position 593. The lysine at codon 198 is replaced by threonine, an amino acid with similar properties. This amino acid position is conserved. In addition, the in silico prediction for this alteration is inconclusive. Based on the available evidence, the clinical significance of this variant remains unclear.

NM_017654.4(SAMD9):c.593A>C (p.Lys198Thr)

Gene: SAMD9 (sterile alpha motif domain containing 9; minus strand). Cytogenetic location: 7q21.2.
Variant type: single nucleotide variant.
Coding change: c.593A>C on transcript NM_017654.4 (MANE Select); coding-DNA position 593, A replaced by C.
Protein change: p.Lys198Thr; replaces lysine 198 with threonine.
Molecular consequence: missense variant.
Genome position (GRCh38, 1-based): chr7:93,105,505, T>G on the plus strand (A>C on the coding strand, the complement: SAMD9 is on the minus strand). VCF-style: chr7-93105505-T-G. GRCh37 (hg19) VCF-style: chr7-92734818-T-G.
Other names: c.593A>C, p.Lys198Thr (NM_001193307.2); short protein forms K198T.
Identifiers: ClinVar variation 4159110 (VCV004159110.1).